The following is an entry in ClinVar:

NM_004656.4(BAP1):c.361G>A (p.Gly121Ser)

Gene: BAP1 (BRCA1 associated deubiquitinase 1; minus strand). Cytogenetic location: 3p21.1.
Variant type: single nucleotide variant.
Coding change: c.361G>A on transcript NM_004656.4 (MANE Select); coding-DNA position 361, G replaced by A.
Protein change: p.Gly121Ser; replaces glycine 121 with serine.
Molecular consequence: missense variant.
Genome position (GRCh38, 1-based): chr3:52,407,972, C>T on the plus strand (G>A on the coding strand, the complement: BAP1 is on the minus strand). VCF-style: chr3-52407972-C-T. GRCh37 (hg19) VCF-style: chr3-52441988-C-T.
Other names: c.361G>A, p.Gly121Ser (NM_001410772.1); short protein forms G121S.
Identifiers: ClinVar variation 3477878 (VCV003477878.1).
Genomic context (GRCh38, chr3:52,407,972, plus strand): 5'-ATCTGCCCAGTTGGCTGTGAGCCAGGATGAAGGCACTGCAGCCTACCTCAGGGCTGAAAC[C>T]CTTGGTGAAGTCCTTCATGCGACTCAGGGTGGGTCCCAGGTCCACGCTGCTGCAGTTCAG-3'
Protein context (NP_004647.1, residues 111-131): TLSRMKDFTK[Gly121Ser]FSPESKGYAI

ClinVar aggregate classification (germline): Uncertain significance (1 of 4 stars; one submission).

Conditions:
Hereditary cancer-predisposing syndrome. Also called: Tumor predisposition; Neoplastic Syndromes, Hereditary; Hereditary neoplastic syndrome; Hereditary Cancer Syndrome. Identifiers: Orphanet 140162, MedGen C0027672, MeSH D009386, MONDO:0015356.

Submission:

Ambry Genetics
Classification: Uncertain significance for Hereditary cancer-predisposing syndrome. Last evaluated: 2024-11-17. Review status: criteria provided, single submitter. Criteria: Ambry Variant Classification Scheme 2023. Collection method: clinical testing. Allele origin: germline.
Comment: The p.G121S variant (also known as c.361G>A), located in coding exon 5 of the BAP1 gene, results from a G to A substitution at nucleotide position 361. The glycine at codon 121 is replaced by serine, an amino acid with similar properties. This amino acid position is conserved. In addition, the in silico prediction for this alteration is inconclusive. Based on the available evidence, the clinical significance of this variant remains unclear.